The following is an entry in ClinVar:

NM_003327.4(TNFRSF4):c.16C>T (p.Arg6Trp)

Gene: TNFRSF4 (TNF receptor superfamily member 4; minus strand). Cytogenetic location: 1p36.33.
Variant type: single nucleotide variant.
Coding change: c.16C>T on transcript NM_003327.4 (MANE Select); coding-DNA position 16, C replaced by T.
Protein change: p.Arg6Trp; replaces arginine 6 with tryptophan.
Molecular consequence: missense variant.
Genome position (GRCh38, 1-based): chr1:1,214,112, G>A on the plus strand (C>T on the coding strand, the complement: TNFRSF4 is on the minus strand). VCF-style: chr1-1214112-G-A. GRCh37 (hg19) VCF-style: chr1-1149492-G-A.
Other names: c.16C>T, p.Arg6Trp (NM_001410709.1); c.16C>T (NM_003327.3); short protein forms R6W.
Identifiers: ClinVar variation 2139975 (VCV002139975.6), dbSNP rs758084628, ClinGen allele CA512714.
Genomic context (GRCh38, chr1:1,214,112, plus strand): 5'-CGGTGCTCAGCCCCAGGCCCAGGAGGAGCAGAGCCGCACACGGCCCGCGGCCCAGCCGCC[G>A]AGCCCCCACGCACATCCTCGTCTCTGCTGTCGCCAGAGTCTGGGTTTTCCTTGCGGGGTG-3'
Protein context (NP_003318.1, residues 1-16): MCVGA[Arg6Trp]RLGRGPCAAL

ClinVar aggregate classification (germline): Uncertain significance. Review status: criteria provided, multiple submitters, no conflicts (2 of 4 stars). 2 submissions from 2 submitters: Uncertain significance (2). Last evaluated 2025-12-02.

Conditions:
Combined immunodeficiency due to OX40 deficiency. Also called: Immunodeficiency 16; OX40 DEFICIENCY. Identifiers: Orphanet 431149, MedGen C3810053, MONDO:0014268, OMIM 615593.

Allele frequency attached by ClinVar (database versions not stated): gnomAD exomes 0.00002; TOPMed 0.00002; ExAC 0.00006.
gnomAD v4.1: 23 of 1,582,484 alleles (0.0015%); highest among the groups gnomAD compares: South Asian, 0.0091%; no homozygotes.

Submissions (2):

Ambry Genetics
Classification: Uncertain significance. Last evaluated: 2025-12-02. Review status: criteria provided, single submitter. Criteria: Ambry Variant Classification Scheme 2023. Collection method: clinical testing. Allele origin: germline.

Labcorp Genetics (formerly Invitae), Labcorp
Classification: Uncertain significance for Combined immunodeficiency due to OX40 deficiency. Last evaluated: 2025-05-14. Review status: criteria provided, single submitter. Criteria: Invitae Variant Classification Sherloc (09022015). Collection method: clinical testing. Allele origin: germline.
Comment: This sequence change replaces arginine, which is basic and polar, with tryptophan, which is neutral and slightly polar, at codon 6 of the TNFRSF4 protein (p.Arg6Trp). This variant is present in population databases (rs758084628, gnomAD 0.009%). This variant has not been reported in the literature in individuals affected with TNFRSF4-related conditions. ClinVar contains an entry for this variant (Variation ID: 2139975). An algorithm developed to predict the effect of missense changes on protein structure and function outputs the following: PolyPhen-2: "Not Available". The tryptophan amino acid residue is found in multiple mammalian species, which suggests that this missense change does not adversely affect protein function. In summary, the available evidence is currently insufficient to determine the role of this variant in disease. Therefore, it has been classified as a Variant of Uncertain Significance.